The following is an entry in ClinVar:

NM_014324.6(AMACR):c.941C>T (p.Ser314Leu)

Genes: C1QTNF3-AMACR (C1QTNF3-AMACR readthrough (NMD candidate); minus strand), AMACR (alpha-methylacyl-CoA racemase; minus strand). Cytogenetic location: 5p13.2.
Variant type: single nucleotide variant.
Coding change: c.941C>T on transcript NM_014324.6 (MANE Select); coding-DNA position 941, C replaced by T.
Protein change: p.Ser314Leu; replaces serine 314 with leucine.
Molecular consequence: missense variant. On other transcripts: non-coding transcript variant (1), 3 prime UTR variant (1).
Genome position (GRCh38, 1-based): chr5:33,989,301, G>A on the plus strand (C>T on the coding strand, the complement: AMACR is on the minus strand). VCF-style: chr5-33989301-G-A. GRCh37 (hg19) VCF-style: chr5-33989406-G-A.
Other names: c.941C>T, p.Ser314Leu (NM_001167595.2); c.*183C>T (NM_203382.3); short protein forms S314L.
Identifiers: ClinVar variation 1384957 (VCV001384957.4), dbSNP rs747129541, ClinGen allele CA3225994.

ClinVar aggregate classification (germline): Uncertain significance (1 of 4 stars; one submission).

Conditions:
Alpha-methylacyl-CoA racemase deficiency (AMACRD). Also called: AMACR deficiency. Identifiers: Orphanet 79095, MedGen C3280428, MONDO:0013681, OMIM 614307. Disease mechanism: loss of function.

Allele frequency attached by ClinVar (database versions not stated): ExAC 0.00001.
gnomAD v4.1: 5 of 1,613,978 alleles (0.00031%); highest among the groups gnomAD compares: South Asian, 0.0011%; no homozygotes.

Submission:

Labcorp Genetics (formerly Invitae), Labcorp
Classification: Uncertain significance for Alpha-methylacyl-CoA racemase deficiency. Last evaluated: 2021-10-09. Review status: criteria provided, single submitter. Criteria: Invitae Variant Classification Sherloc (09022015). Collection method: clinical testing. Allele origin: germline.
Comment: In summary, the available evidence is currently insufficient to determine the role of this variant in disease. Therefore, it has been classified as a Variant of Uncertain Significance. Algorithms developed to predict the effect of missense changes on protein structure and function are either unavailable or do not agree on the potential impact of this missense change (SIFT: "Deleterious"; PolyPhen-2: "Benign"; Align-GVGD: "Class C35"). This variant has not been reported in the literature in individuals affected with AMACR-related conditions. This variant is present in population databases (rs747129541, ExAC 0.006%). This sequence change replaces serine with leucine at codon 314 of the AMACR protein (p.Ser314Leu). The serine residue is highly conserved and there is a large physicochemical difference between serine and leucine.